The following is an entry in ClinVar:

NM_014339.7(IL17RA):c.2011G>A (p.Ala671Thr)

Gene: IL17RA (interleukin 17 receptor A; plus strand). Cytogenetic location: 22q11.1.
Variant type: single nucleotide variant.
Coding change: c.2011G>A on transcript NM_014339.7 (MANE Select); coding-DNA position 2011, G replaced by A.
Protein change: p.Ala671Thr; replaces alanine 671 with threonine.
Molecular consequence: missense variant.
Genome position (GRCh38, 1-based): chr22:17,109,230, G>A. VCF-style: chr22-17109230-G-A. GRCh37 (hg19) VCF-style: chr22-17590120-G-A.
Other names: c.1909G>A, p.Ala637Thr (NM_001289905.2); short protein forms A637T, A671T.
Identifiers: ClinVar variation 2186994 (VCV002186994.4), dbSNP rs758774505, ClinGen allele CA10086888.
Genomic context (GRCh38, chr22:17,109,230, plus strand): 5'-GAACCTCACCTGCAGCCCCGGGGTCAGCCAGCGCCGCAGCCCCTCCACACCCTGGTGCTC[G>A]CCGCAGAGGAGGGGGCCCTGGTGGCCGCGGTGGAGCCTGGGCCCCTGGCTGACGGTGCCG-3'
Protein context (NP_055154.3, residues 661-681): APQPLHTLVL[Ala671Thr]AEEGALVAAV

ClinVar aggregate classification (germline): Uncertain significance (1 of 4 stars; one submission).

Conditions:
Immunodeficiency 51 (IMD51). Also called: CANDIDIASIS, FAMILIAL, 5. Identifiers: Orphanet 1334, MedGen C4310803, MONDO:0013500, OMIM 613953.

Allele frequency attached by ClinVar (database versions not stated): gnomAD exomes below 0.00001; gnomAD 0.00001; TOPMed 0.00001.

Submission:

Labcorp Genetics (formerly Invitae), Labcorp
Classification: Uncertain significance for Immunodeficiency 51. Last evaluated: 2022-08-23. Review status: criteria provided, single submitter. Criteria: Invitae Variant Classification Sherloc (09022015). Collection method: clinical testing. Allele origin: germline.
Comment: In summary, the available evidence is currently insufficient to determine the role of this variant in disease. Therefore, it has been classified as a Variant of Uncertain Significance. Algorithms developed to predict the effect of missense changes on protein structure and function (SIFT, PolyPhen-2, Align-GVGD) all suggest that this variant is likely to be tolerated. This variant has not been reported in the literature in individuals affected with IL17RA-related conditions. The frequency data for this variant in the population databases is considered unreliable, as metrics indicate poor data quality at this position in the gnomAD database. This sequence change replaces alanine, which is neutral and non-polar, with threonine, which is neutral and polar, at codon 671 of the IL17RA protein (p.Ala671Thr).